The following is an entry in ClinVar:

ClinVar aggregate classification (germline): Uncertain significance (1 of 4 stars; one submission).

Submission:

Labcorp Genetics (formerly Invitae), Labcorp
Classification: Uncertain significance. Last evaluated: 2022-08-16. Review status: criteria provided, single submitter. Criteria: Invitae Variant Classification Sherloc (09022015). Collection method: clinical testing. Allele origin: germline.
Comment: In summary, the available evidence is currently insufficient to determine the role of this variant in disease. Therefore, it has been classified as a Variant of Uncertain Significance. This variant has not been reported in the literature in individuals affected with GRM6-related conditions. This variant is not present in population databases (gnomAD no frequency). This variant, c.320_337dup, results in the insertion of 6 amino acid(s) of the GRM6 protein (p.Glu107_Phe112dup), but otherwise preserves the integrity of the reading frame.

NM_000843.4(GRM6):c.320_337dup (p.Phe112_Val113insGluGlnAlaLeuSerPhe)

Gene: GRM6 (glutamate metabotropic receptor 6; minus strand). Cytogenetic location: 5q35.3.
Variant type: Duplication.
Coding change: c.320_337dup on transcript NM_000843.4 (MANE Select); coding-DNA positions 320 to 337, 18 bases duplicated (AGCAGGCGCTGAGCTTCG).
Protein change: p.Phe112_Val113insGluGlnAlaLeuSerPhe.
Molecular consequence: inframe insertion.
Genome position (GRCh38, 1-based): chr5:178,994,608-178,994,625, CGAAGCTCAGCGCCTGCT duplicated on the plus strand (AGCAGGCGCTGAGCTTCG on the coding strand, the reverse complement: GRM6 is on the minus strand); duplicating any 18 consecutive bases within chr5:178,994,608-178,994,626 gives the same sequence; the c. name uses the placement nearest the transcript's 3' end. VCF-style (leftmost placement, unchanged base first): chr5-178994607-A-ACGAAGCTCAGCGCCTGCT. GRCh37 (hg19) VCF-style: chr5-178421608-A-ACGAAGCTCAGCGCCTGCT.
Identifiers: ClinVar variation 1938719 (VCV001938719.5), dbSNP rs1760739257, ClinGen allele CA2497130606.